The following is an entry in ClinVar:

ClinVar aggregate classification (germline): Benign/Likely benign. Review status: criteria provided, multiple submitters, no conflicts (2 of 4 stars). 3 submissions from 3 submitters: Benign (1); Likely benign (1). 1 of the submissions does not count toward it. Last evaluated 2024-06-24.

Conditions:
NR1I3-related disorder. Also called: NR1I3-related condition.

Allele frequency attached by ClinVar (database versions not stated): ExAC 0.00054; gnomAD 0.00178 and 0.00188; 1000 Genomes Project 0.00180; TOPMed 0.00188; ESP Exome Variant Server 0.00192.
gnomAD v4.1: 595 of 1,614,134 alleles (0.037%); highest among the groups gnomAD compares: African/African-American, 0.61%; 1 homozygote.

Submissions (3):

Blueprint Genetics
Classification: Likely benign. Last evaluated: 2024-06-24. Review status: criteria provided, single submitter. Criteria: ACMG Guidelines, 2015. Collection method: clinical testing. Allele origin: germline.

Eurofins Ntd Llc (ga)
Classification: Benign. Last evaluated: 2015-09-25. Review status: criteria provided, single submitter. Criteria: EGL Classification Definitions 2015. Collection method: clinical testing. Allele origin: germline. Observed: 1 variant allele, 1 heterozygote.

PreventionGenetics, part of Exact Sciences
Classification: Likely benign for NR1I3-related condition. Last evaluated: 2022-06-14. Review status: no assertion criteria provided. Collection method: clinical testing. Allele origin: germline. Not counted in ClinVar's aggregate classification.
Comment: This variant is classified as likely benign based on ACMG/AMP sequence variant interpretation guidelines (Richards et al. 2015 PMID: 25741868, with internal and published modifications).

NM_005122.5(NR1I3):c.289C>T (p.Arg97Trp)

Gene: NR1I3 (nuclear receptor subfamily 1 group I member 3; minus strand). Cytogenetic location: 1q23.3.
Variant type: single nucleotide variant.
Coding change: c.289C>T on transcript NM_005122.5 (MANE Select); coding-DNA position 289, C replaced by T.
Protein change: p.Arg97Trp; replaces arginine 97 with tryptophan.
Molecular consequence: missense variant.
Genome position (GRCh38, 1-based): chr1:161,233,288, G>A on the plus strand (C>T on the coding strand, the complement: NR1I3 is on the minus strand). VCF-style: chr1-161233288-G-A. GRCh37 (hg19) VCF-style: chr1-161203078-G-A.
Other names: c.289C>T (NM_005122.4); c.289C>T, p.Arg97Trp (NM_001077469.3, NM_001077471.3, NM_001077474.3 and 4 more transcripts); c.202C>T, p.Arg68Trp (NM_001077470.3, NM_001077472.3, NM_001077473.3 and 4 more transcripts); short protein forms R97W, R68W.
Identifiers: ClinVar variation 283162 (VCV000283162.8), dbSNP rs34161743, ClinGen allele CA1209846.
Genomic context (GRCh38, chr1:161,233,288, plus strand): 5'-GTGTCCGGATCAGCTCTTCTTGCTCCTTACTCAGTTGCACAGGTGTTTGCTGTGCCCGCC[G>A]CTGGGCCTGCTTTGCTCGCCGCAATGCCAGGGCTTCTGCCGACAGTATCACTGTGCCAGG-3'
Protein context (NP_005113.1, residues 87-107): LALRRAKQAQ[Arg97Trp]RAQQTPVQLS